The following is an entry in ClinVar:

NM_001128205.2(SULF1):c.1645G>A (p.Glu549Lys)

Gene: SULF1 (sulfatase 1; plus strand). Cytogenetic location: 8q13.3.
Variant type: single nucleotide variant.
Coding change: c.1645G>A on transcript NM_001128205.2 (MANE Select); coding-DNA position 1645, G replaced by A.
Protein change: p.Glu549Lys; replaces glutamic acid 549 with lysine.
Molecular consequence: missense variant. On other transcripts: non-coding transcript variant (3).
Genome position (GRCh38, 1-based): chr8:69,623,992, G>A. VCF-style: chr8-69623992-G-A. GRCh37 (hg19) VCF-style: chr8-70536227-G-A.
Other names: c.1645G>A, p.Glu549Lys (NM_001128204.2, NM_001128206.2, NM_015170.3); short protein forms E549K.
Identifiers: ClinVar variation 283084 (VCV000283084.11), dbSNP rs201229545, ClinGen allele CA10604390.

ClinVar aggregate classification (germline): Uncertain significance. Review status: criteria provided, multiple submitters, no conflicts (2 of 4 stars). 2 submissions from 2 submitters: Uncertain significance (2). Last evaluated 2026-01-07.

Allele frequency attached by ClinVar (database versions not stated): gnomAD exomes 0.00001; gnomAD 0.00004 and 0.00005; TOPMed 0.00004; 1000 Genomes Project 30x 0.00016; 1000 Genomes Project 0.00020.
gnomAD v4.1: 19 of 1,614,128 alleles (0.0012%); highest among the groups gnomAD compares: African/African-American, 0.013%; no homozygotes.

Submissions (2):

Labcorp Genetics (formerly Invitae), Labcorp
Classification: Uncertain significance. Last evaluated: 2026-01-07. Review status: criteria provided, single submitter. Criteria: Invitae Variant Classification Sherloc (09022015). Collection method: clinical testing. Allele origin: germline.
Comment: This sequence change replaces glutamic acid, which is acidic and polar, with lysine, which is basic and polar, at codon 549 of the SULF1 protein (p.Glu549Lys). This variant is present in population databases (rs201229545, gnomAD 0.03%). This variant has not been reported in the literature in individuals affected with SULF1-related conditions. ClinVar contains an entry for this variant (Variation ID: 283084). An algorithm developed to predict the effect of missense changes on protein structure and function (PolyPhen-2) suggests that this variant is likely to be tolerated. In summary, the available evidence is currently insufficient to determine the role of this variant in disease. Therefore, it has been classified as a Variant of Uncertain Significance.

Eurofins Ntd Llc (ga)
Classification: Uncertain significance. Last evaluated: 2015-09-21. Review status: criteria provided, single submitter. Criteria: EGL Classification Definitions 2015. Collection method: clinical testing. Allele origin: germline. Observed: 2 variant alleles, 2 heterozygotes.